The following is an entry in ClinVar:

ClinVar aggregate classification (germline): Uncertain significance (1 of 4 stars; one submission).

Conditions:
Cataract 3 multiple types. Also called: CATARACT 3, MULTIPLE TYPES, WITH OR WITHOUT MICROCORNEA. Identifiers: Orphanet 1377, MedGen C1832175, MONDO:0011104, OMIM 601547.

Submission:

Labcorp Genetics (formerly Invitae), Labcorp
Classification: Uncertain significance for Cataract 3 multiple types. Last evaluated: 2024-06-24. Review status: criteria provided, single submitter. Criteria: Invitae Variant Classification Sherloc (09022015). Collection method: clinical testing. Allele origin: germline.
Comment: This sequence change creates a premature translational stop signal (p.Phe74Leufs*24) in the CRYBB2 gene. It is expected to result in an absent or disrupted protein product. However, the current clinical and genetic evidence is not sufficient to establish whether loss-of-function variants in CRYBB2 cause disease. This variant is present in population databases (no rsID available, gnomAD 0.003%). This variant has not been reported in the literature in individuals affected with CRYBB2-related conditions. In summary, the available evidence is currently insufficient to determine the role of this variant in disease. Therefore, it has been classified as a Variant of Uncertain Significance.

NM_000496.3(CRYBB2):c.219del (p.Phe74fs)

Gene: CRYBB2 (crystallin beta B2; plus strand). Cytogenetic location: 22q11.23.
Variant type: Deletion.
Coding change: c.219del on transcript NM_000496.3 (MANE Select); coding-DNA position 219, one base deleted (G; older notation c.219delG).
Protein change: p.Phe74fs; shifts the reading frame from phenylalanine 74.
Molecular consequence: frameshift variant.
Genome position (GRCh38, 1-based): chr22:25,227,898, G deleted. VCF-style (leftmost placement, unchanged base first): chr22-25227897-TG-T. GRCh37 (hg19) VCF-style: chr22-25623864-TG-T.
Other names: short protein forms F74fs.
Identifiers: ClinVar variation 3714581 (VCV003714581.2).
Genomic context (GRCh38, chr22:25,227,897, plus strand): 5'-TCTGTCTCCATGGCAGCTGGGTGGGCTATGAACAGGCCAACTGCAAGGGCGAGCAGTTTG[TG>T]TTTGAGAAGGGTGAGTACCCCCGCTGGGACTCATGGACCAGCAGCCGAAGGACGGACTCC-3'